The following is an entry in ClinVar:

ClinVar aggregate classification (germline): Uncertain significance. Review status: criteria provided, multiple submitters, no conflicts (2 of 4 stars). 2 submissions from 2 submitters: Uncertain significance (2). Last evaluated 2024-04-06.

Conditions:
Charcot-Marie-Tooth disease type 2. Also called: Charcot-Marie-Tooth type 2. Identifiers: Orphanet 64746, MedGen C0270914, MONDO:0018993.

Allele frequency attached by ClinVar (database versions not stated): gnomAD exomes 0.00001; TOPMed 0.00001.

Submissions (2):

Labcorp Genetics (formerly Invitae), Labcorp
Classification: Uncertain significance for Charcot-Marie-Tooth disease type 2. Last evaluated: 2024-04-06. Review status: criteria provided, single submitter. Criteria: Invitae Variant Classification Sherloc (09022015). Collection method: clinical testing. Allele origin: germline.
Comment: This sequence change replaces arginine, which is basic and polar, with glutamine, which is neutral and polar, at codon 430 of the GARS protein (p.Arg430Gln). This variant is present in population databases (no rsID available, gnomAD 0.0009%). This variant has not been reported in the literature in individuals affected with GARS-related conditions. ClinVar contains an entry for this variant (Variation ID: 855990). Advanced modeling of protein sequence and biophysical properties (such as structural, functional, and spatial information, amino acid conservation, physicochemical variation, residue mobility, and thermodynamic stability) performed at Invitae indicates that this missense variant is expected to disrupt GARS protein function with a positive predictive value of 95%. In summary, the available evidence is currently insufficient to determine the role of this variant in disease. Therefore, it has been classified as a Variant of Uncertain Significance.

Blueprint Genetics
Classification: Uncertain significance. Last evaluated: 2019-10-07. Review status: criteria provided, single submitter. Criteria: ACMG Guidelines, 2015. Collection method: clinical testing. Allele origin: germline.

NM_002047.4(GARS1):c.1289G>A (p.Arg430Gln)

Gene: GARS1 (glycyl-tRNA synthetase 1; plus strand). Cytogenetic location: 7p14.3.
Variant type: single nucleotide variant.
Coding change: c.1289G>A on transcript NM_002047.4 (MANE Select); coding-DNA position 1289, G replaced by A.
Protein change: p.Arg430Gln; replaces arginine 430 with glutamine.
Molecular consequence: missense variant.
Genome position (GRCh38, 1-based): chr7:30,617,208, G>A. VCF-style: chr7-30617208-G-A. GRCh37 (hg19) VCF-style: chr7-30656824-G-A.
Other names: c.1127G>A, p.Arg376Gln (NM_001316772.1); short protein forms R376Q, R430Q.
Identifiers: ClinVar variation 855990 (VCV000855990.8), dbSNP rs1430190191, ClinGen allele CA367127208.